The following is an entry in ClinVar:

NM_005032.7(PLS3):c.1727A>G (p.Asn576Ser)

Gene: PLS3 (plastin 3; plus strand). Cytogenetic location: Xq23.
Variant type: single nucleotide variant.
Coding change: c.1727A>G on transcript NM_005032.7 (MANE Select); coding-DNA position 1727, A replaced by G.
Protein change: p.Asn576Ser; replaces asparagine 576 with serine.
Molecular consequence: missense variant.
Genome position (GRCh38, 1-based): chrX:115,647,984, A>G. VCF-style: chrX-115647984-A-G. GRCh37 (hg19) VCF-style: chrX-114882304-A-G.
Other names: c.1727A>G, p.Asn576Ser (NM_001136025.5); c.1646A>G, p.Asn549Ser (NM_001172335.3); c.1688A>G, p.Asn563Ser (NM_001282337.2); c.1592A>G, p.Asn531Ser (NM_001282338.2); short protein forms N531S, N563S, N549S, N576S.
Identifiers: ClinVar variation 2181656 (VCV002181656.4), dbSNP rs782721109, ClinGen allele CA10497121.

ClinVar aggregate classification (germline): Uncertain significance (1 of 4 stars; one submission).

Allele frequency attached by ClinVar (database versions not stated): gnomAD 0.00001; gnomAD exomes 0.00002; TOPMed 0.00002; ExAC 0.00003.
gnomAD v4.1: 18 of 1,205,624 alleles (0.0015%); highest among the groups gnomAD compares: Admixed American, 0.0088%; no homozygotes.

Submission:

Labcorp Genetics (formerly Invitae), Labcorp
Classification: Uncertain significance. Last evaluated: 2024-09-02. Review status: criteria provided, single submitter. Criteria: Invitae Variant Classification Sherloc (09022015). Collection method: clinical testing. Allele origin: germline.
Comment: This sequence change replaces asparagine, which is neutral and polar, with serine, which is neutral and polar, at codon 576 of the PLS3 protein (p.Asn576Ser). This variant is present in population databases (rs782721109, gnomAD 0.01%). This variant has not been reported in the literature in individuals affected with PLS3-related conditions. ClinVar contains an entry for this variant (Variation ID: 2181656). Invitae Evidence Modeling of protein sequence and biophysical properties (such as structural, functional, and spatial information, amino acid conservation, physicochemical variation, residue mobility, and thermodynamic stability) indicates that this missense variant is not expected to disrupt PLS3 protein function with a negative predictive value of 80%. In summary, the available evidence is currently insufficient to determine the role of this variant in disease. Therefore, it has been classified as a Variant of Uncertain Significance.